The following is an entry in ClinVar:

ClinVar aggregate classification (germline): Uncertain significance (1 of 4 stars; one submission).

Conditions:
Myopathy, proximal, and ophthalmoplegia (CMYO6). Also called: CONGENITAL MYOPATHY 6 WITH OPHTHALMOPLEGIA; MYOPATHY WITH CONGENITAL JOINT CONTRACTURES, OPHTHALMOPLEGIA, AND RIMMED VACUOLES; INCLUSION BODY MYOPATHY 3, AUTOSOMAL DOMINANT. Identifiers: Orphanet 363677, Orphanet 79091, MedGen C1854106, MONDO:0011577, OMIM 605637.

Allele frequency attached by ClinVar (database versions not stated): gnomAD exomes below 0.00001.
gnomAD v4.1: 2 of 1,614,064 alleles (0.00012%); highest among the groups gnomAD compares: Non-Finnish European, 0.00017%; no homozygotes.

Submission:

Labcorp Genetics (formerly Invitae), Labcorp
Classification: Uncertain significance for Myopathy, proximal, and ophthalmoplegia. Last evaluated: 2023-10-10. Review status: criteria provided, single submitter. Criteria: Invitae Variant Classification Sherloc (09022015). Collection method: clinical testing. Allele origin: germline.
Comment: This sequence change replaces histidine, which is basic and polar, with proline, which is neutral and non-polar, at codon 1934 of the MYH2 protein (p.His1934Pro). This variant is present in population databases (no rsID available, gnomAD 0.0009%). This variant has not been reported in the literature in individuals affected with MYH2-related conditions. An algorithm developed to predict the effect of missense changes on protein structure and function (PolyPhen-2) suggests that this variant is likely to be tolerated. In summary, the available evidence is currently insufficient to determine the role of this variant in disease. Therefore, it has been classified as a Variant of Uncertain Significance.

NM_017534.6(MYH2):c.5801A>C (p.His1934Pro)

Genes: MYHAS (myosin heavy chain gene cluster antisense RNA; plus strand), MYH2 (myosin heavy chain 2; minus strand). Cytogenetic location: 17p13.1.
Variant type: single nucleotide variant.
Coding change: c.5801A>C on transcript NM_017534.6 (MANE Select); coding-DNA position 5801, A replaced by C.
Protein change: p.His1934Pro; replaces histidine 1934 with proline.
Molecular consequence: missense variant.
Genome position (GRCh38, 1-based): chr17:10,521,305, T>G on the plus strand (A>C on the coding strand, the complement: MYH2 is on the minus strand). VCF-style: chr17-10521305-T-G. GRCh37 (hg19) VCF-style: chr17-10424622-T-G.
Other names: c.5801A>C, p.His1934Pro (NM_001100112.2); short protein forms H1934P.
Identifiers: ClinVar variation 3017327 (VCV003017327.3), dbSNP rs1368859006, ClinGen allele CA398109963.